The following is an entry in ClinVar:

NM_003002.4(SDHD):c.51A>C (p.Arg17=)

Genes: SDHD (succinate dehydrogenase complex subunit D; plus strand), LOC126861339 (BRD4-independent group 4 enhancer GRCh37_chr11:111957035-111958234; plus strand). Cytogenetic location: 11q23.1.
Variant type: single nucleotide variant.
Coding change: c.51A>C on transcript NM_003002.4 (MANE Select); coding-DNA position 51, A replaced by C.
Protein change: p.Arg17=; no amino-acid change (arginine 17 retained).
Molecular consequence: synonymous variant. On other transcripts: non-coding transcript variant (1).
Genome position (GRCh38, 1-based): chr11:112,086,958, A>C. VCF-style: chr11-112086958-A-C. GRCh37 (hg19) VCF-style: chr11-111957682-A-C.
Other names: c.51A>C, p.Arg17= (NM_001276503.2, NM_001276504.2, NM_001276506.2); c.51A>C (NM_003002.2).
Identifiers: ClinVar variation 239474 (VCV000239474.14), dbSNP rs199890548, ClinGen allele CA10582867.

ClinVar aggregate classification (germline): Conflicting classifications of pathogenicity. Review status: criteria provided, conflicting classifications (1 of 4 stars). 2 submissions from 2 submitters: Uncertain significance (1); Likely benign (1). Last evaluated 2025-01-31.

Conditions:
Carney-Stratakis syndrome. Also called: PARAGANGLIOMA AND GASTROINTESTINAL STROMAL TUMOR. Identifiers: Orphanet 97286, MedGen C1847319, MONDO:0011740, OMIM 606864.
Pheochromocytoma. Also called: MAX-Related Hereditary Paraganglioma-Pheochromocytoma Syndrome. Identifiers: Orphanet 29072, MedGen C0031511, MONDO:0008233, OMIM 171300, HP:0002666.
Paragangliomas with sensorineural hearing loss. Identifiers: MedGen C1868633.
Cowden syndrome 3 (CWS3). Identifiers: Orphanet 201, MedGen CN166604, MONDO:0014045.
Hereditary cancer-predisposing syndrome. Also called: Neoplastic Syndromes, Hereditary; Hereditary neoplastic syndrome; Tumor predisposition; Hereditary Cancer Syndrome. Identifiers: Orphanet 140162, MedGen C0027672, MeSH D009386, MONDO:0015356.

Allele frequency attached by ClinVar (database versions not stated): gnomAD exomes below 0.00001.

Submissions (2):

Ambry Genetics
Classification: Likely benign for Hereditary cancer-predisposing syndrome. Last evaluated: 2025-01-31. Review status: criteria provided, single submitter. Criteria: Ambry Variant Classification Scheme 2023. Collection method: clinical testing. Allele origin: germline.

Labcorp Genetics (formerly Invitae), Labcorp
Classification: Uncertain significance for Carney-Stratakis syndrome; Paragangliomas with sensorineural hearing loss; Pheochromocytoma; Cowden syndrome 3. Last evaluated: 2024-04-09. Review status: criteria provided, single submitter. Criteria: Invitae Variant Classification Sherloc (09022015). Collection method: clinical testing. Allele origin: germline.
Comment: This sequence change affects codon 17 of the SDHD mRNA. It is a 'silent' change, meaning that it does not change the encoded amino acid sequence of the SDHD protein. It affects a nucleotide within the consensus splice site. This variant is present in population databases (rs199890548, gnomAD 0.006%). This variant has not been reported in the literature in individuals affected with SDHD-related conditions. ClinVar contains an entry for this variant (Variation ID: 239474). Algorithms developed to predict the effect of sequence changes on RNA splicing suggest that this variant may disrupt the consensus splice site. In summary, the available evidence is currently insufficient to determine the role of this variant in disease. Therefore, it has been classified as a Variant of Uncertain Significance.